The following is an entry in ClinVar:

ClinVar aggregate classification (germline): Likely pathogenic (1 of 4 stars; one submission).

Conditions:
Dilated cardiomyopathy 1G (CMD1G). Identifiers: Orphanet 154, MedGen C1858763, MONDO:0011400, OMIM 604145.
Autosomal recessive limb-girdle muscular dystrophy type 2J (LGMDR10). Also called: MUSCULAR DYSTROPHY, LIMB-GIRDLE, AUTOSOMAL RECESSIVE 10; Limb-girdle muscular dystrophy, type 2J. Identifiers: Orphanet 140922, MedGen C1837342, MONDO:0012127, OMIM 608807.

Submission:

Labcorp Genetics (formerly Invitae), Labcorp
Classification: Likely pathogenic for Dilated cardiomyopathy 1G; Autosomal recessive limb-girdle muscular dystrophy type 2J. Last evaluated: 2025-06-18. Review status: criteria provided, single submitter. Criteria: Invitae Variant Classification Sherloc (09022015). Collection method: clinical testing. Allele origin: germline.
Comment: This sequence change creates a premature translational stop signal (p.Gln4151*) in the TTN gene. While this is not anticipated to result in nonsense mediated decay, it is expected to create a truncated TTN protein. This variant is present in population databases (no rsID available, gnomAD 0.03%). This variant has not been reported in the literature in individuals affected with TTN-related conditions. ClinVar contains an entry for this variant (Variation ID: 2941972). This variant is located in the I band of TTN (PMID: 25589632). Truncating variants in this region have been reported in individuals affected with autosomal recessive centronuclear myopathy (PMID: 23975875, internal data). Truncating variants in this region have also been identified in individuals affected with autosomal dominant dilated cardiomyopathy and/or cardio-related conditions (PMID: 27869827, 32964742, internal data). In summary, the currently available evidence indicates that the variant is pathogenic, but additional data are needed to prove that conclusively. Therefore, this variant has been classified as Likely Pathogenic.

Literature cited by the submitters: PubMed 25589632; PubMed 23975875; PubMed 27869827; PubMed 32964742.

NM_001267550.2(TTN):c.12451C>T (p.Gln4151Ter)

Gene: TTN (titin; minus strand). Cytogenetic location: 2q31.2.
Variant type: single nucleotide variant.
Coding change: c.12451C>T on transcript NM_001267550.2 (MANE Select); coding-DNA position 12451, C replaced by T.
Protein change: p.Gln4151Ter; replaces glutamine 4151 with a stop codon.
Molecular consequence: nonsense. On other transcripts: intron variant (1).
Genome position (GRCh38, 1-based): chr2:178,740,782, G>A on the plus strand (C>T on the coding strand, the complement: TTN is on the minus strand). VCF-style: chr2-178740782-G-A. GRCh37 (hg19) VCF-style: chr2-179605509-G-A.
Other names: c.11500C>T, p.Gln3834Ter (NM_001256850.1); c.11362C>T, p.Gln3788Ter (NM_003319.4); c.11737C>T, p.Gln3913Ter (NM_133432.3); c.11938C>T, p.Gln3980Ter (NM_133437.4); c.10361-2422C>T (NM_133378.4); short protein forms Q3788*, Q4151*, Q3980*, Q3834*, Q3913*.
Identifiers: ClinVar variation 2941972 (VCV002941972.3), dbSNP rs1279793527, ClinGen allele CA349615065.
Genomic context (GRCh38, chr2:178,740,782, plus strand): 5'-CTTCAGGCATTAGAATACCTTCTTTGGAGAAGGTTTTCTGGGACTGTACAATCTGCAGCT[G>A]TAGGTTGGGAGATGGTTCCTTGAGAGGCTGAAAGTGAATACTGCCATTGATGCAAAGAAA-3'